The following is an entry in ClinVar:

NM_170682.4(P2RX2):c.418G>A (p.Ala140Thr)

Gene: P2RX2 (purinergic receptor P2X 2; plus strand). Cytogenetic location: 12q24.33.
Variant type: single nucleotide variant.
Coding change: c.418G>A on transcript NM_170682.4 (MANE Select); coding-DNA position 418, G replaced by A.
Protein change: p.Ala140Thr; replaces alanine 140 with threonine.
Molecular consequence: missense variant. On other transcripts: intron variant (1).
Genome position (GRCh38, 1-based): chr12:132,619,880, G>A. VCF-style: chr12-132619880-G-A. GRCh37 (hg19) VCF-style: chr12-133196466-G-A.
Other names: c.418G>A (NM_174873.2); c.346G>A, p.Ala116Thr (NM_001282164.2, NM_016318.4); c.418G>A, p.Ala140Thr (NM_001282165.2, NM_170683.4, NM_174873.3); c.142G>A, p.Ala48Thr (NM_174872.3); c.242-120G>A (NM_012226.5); short protein forms A116T, A140T, A48T.
Identifiers: ClinVar variation 2088235 (VCV002088235.5), dbSNP rs2041572453, ClinGen allele CA387358830.

ClinVar aggregate classification (germline): Likely benign. Review status: criteria provided, single submitter (1 of 4 stars). 2 submissions from 2 submitters: Likely benign (1). 1 of the submissions does not count toward it. Last evaluated 2022-08-31.

Conditions:
P2RX2-related disorder. Also called: P2RX2-related condition.

Allele frequency attached by ClinVar (database versions not stated): TOPMed below 0.00001.

Submissions (2):

Labcorp Genetics (formerly Invitae), Labcorp
Classification: Likely benign. Last evaluated: 2022-08-31. Review status: criteria provided, single submitter. Criteria: Invitae Variant Classification Sherloc (09022015). Collection method: clinical testing. Allele origin: germline.

PreventionGenetics, part of Exact Sciences
Classification: Uncertain significance for P2RX2-related condition. Last evaluated: 2024-06-08. Review status: no assertion criteria provided. Collection method: clinical testing. Allele origin: germline. Not counted in ClinVar's aggregate classification.
Comment: The P2RX2 c.418G>A variant is predicted to result in the amino acid substitution p.Ala140Thr. To our knowledge, this variant has not been reported in the literature or in a large population database, indicating this variant is rare. At this time, the clinical significance of this variant is uncertain due to the absence of conclusive functional and genetic evidence.